The following is an entry in ClinVar:

ClinVar aggregate classification (germline): Uncertain significance (1 of 4 stars; one submission).

Submission:

GeneDx
Classification: Uncertain significance. Last evaluated: 2025-06-05. Review status: criteria provided, single submitter. Criteria: GeneDx Variant Classification Process June 2021. Collection method: clinical testing. Allele origin: germline. Affected: yes.
Comment: Not observed at significant frequency in large population cohorts (gnomAD); In silico analysis supports that this missense variant has a deleterious effect on protein structure/function; Has not been previously published as pathogenic or benign to our knowledge

NM_001394062.1(MACF1):c.17303A>G (p.Asp5768Gly)

Gene: MACF1 (microtubule actin crosslinking factor 1; plus strand). Cytogenetic location: 1p34.3.
Variant type: single nucleotide variant.
Coding change: c.17303A>G on transcript NM_001394062.1 (MANE Select); coding-DNA position 17303, A replaced by G.
Protein change: p.Asp5768Gly; replaces aspartic acid 5768 with glycine.
Molecular consequence: missense variant.
Genome position (GRCh38, 1-based): chr1:39,430,874, A>G. VCF-style: chr1-39430874-A-G. GRCh37 (hg19) VCF-style: chr1-39896546-A-G.
Other names: c.5372A>G, p.Asp1791Gly (NM_001397473.1); c.11117A>G, p.Asp3706Gly (NM_012090.5); short protein forms D1791G, D3706G, D5768G.
Identifiers: ClinVar variation 4536416 (VCV004536416.1).